The following is an entry in ClinVar:

NM_015662.3(IFT172):c.2452C>T (p.Leu818Phe)

Gene: IFT172 (intraflagellar transport 172; minus strand). Cytogenetic location: 2p23.3.
Variant type: single nucleotide variant.
Coding change: c.2452C>T on transcript NM_015662.3 (MANE Select); coding-DNA position 2452, C replaced by T.
Protein change: p.Leu818Phe; replaces leucine 818 with phenylalanine.
Molecular consequence: missense variant.
Genome position (GRCh38, 1-based): chr2:27,461,084, G>A on the plus strand (C>T on the coding strand, the complement: IFT172 is on the minus strand). VCF-style: chr2-27461084-G-A. GRCh37 (hg19) VCF-style: chr2-27683951-G-A.
Other names: short protein forms L818F.
Identifiers: ClinVar variation 1429289 (VCV001429289.6), dbSNP rs374015331, ClinGen allele CA1580299.

ClinVar aggregate classification (germline): Uncertain significance. Review status: criteria provided, multiple submitters, no conflicts (2 of 4 stars). 2 submissions from 2 submitters: Uncertain significance (2). Last evaluated 2024-02-18.

Conditions:
Short-rib thoracic dysplasia 10 with or without polydactyly (SRTD10). Identifiers: Orphanet 474, MedGen C3810175, MONDO:0014284, OMIM 615630.
Retinitis pigmentosa 71 (RP71). Identifiers: Orphanet 791, MedGen C4225342, MONDO:0014618, OMIM 616394.
Bardet-Biedl syndrome 20. Identifiers: MedGen C4310707, MONDO:0023670, OMIM 619471, MONDO:0014926.

Allele frequency attached by ClinVar (database versions not stated): gnomAD exomes below 0.00001 and 0.00001; gnomAD 0.00001; ExAC 0.00002; TOPMed 0.00002; ESP Exome Variant Server 0.00008.

Submissions (2):

Fulgent Genetics
Classification: Uncertain significance for Short-rib thoracic dysplasia 10 with or without polydactyly; Retinitis pigmentosa 71; Bardet-Biedl syndrome 20. Last evaluated: 2024-02-18. Review status: criteria provided, single submitter. Criteria: ACMG Guidelines, 2015. Collection method: clinical testing. Allele origin: germline.

Labcorp Genetics (formerly Invitae), Labcorp
Classification: Uncertain significance for Retinitis pigmentosa 71; Short-rib thoracic dysplasia 10 with or without polydactyly. Last evaluated: 2022-03-09. Review status: criteria provided, single submitter. Criteria: Invitae Variant Classification Sherloc (09022015). Collection method: clinical testing. Allele origin: germline.
Comment: This sequence change replaces leucine, which is neutral and non-polar, with phenylalanine, which is neutral and non-polar, at codon 818 of the IFT172 protein (p.Leu818Phe). This variant is present in population databases (rs374015331, gnomAD 0.01%). This variant has not been reported in the literature in individuals affected with IFT172-related conditions. Algorithms developed to predict the effect of missense changes on protein structure and function are either unavailable or do not agree on the potential impact of this missense change (SIFT: "Deleterious"; PolyPhen-2: "Possibly Damaging"; Align-GVGD: "Class C0"). In summary, the available evidence is currently insufficient to determine the role of this variant in disease. Therefore, it has been classified as a Variant of Uncertain Significance.